The following is an entry in ClinVar:

ClinVar aggregate classification (germline): Conflicting classifications of pathogenicity. Review status: criteria provided, conflicting classifications (1 of 4 stars). 5 submissions from 5 submitters: Uncertain significance (4); Likely benign (1). Last evaluated 2025-05-22.

Conditions:
TTN-related disorder. Also called: TTN-related condition; TTN-related disease; TTN-related disorders.
Cardiomyopathy (CMYO). Also called: Cardiomyopathies. Identifiers: Orphanet 167848, MedGen C0878544, MONDO:0004994, HP:0001638. Inheritance: Various modes of inheritance.

Allele frequency attached by ClinVar (database versions not stated): ExAC 0.00002; gnomAD 0.00002; TOPMed 0.00002; gnomAD exomes 0.00004.
gnomAD v4.1: 98 of 1,613,808 alleles (0.0061%); highest among the groups gnomAD compares: Non-Finnish European, 0.008%; no homozygotes.

Submissions (5):

PreventionGenetics, part of Exact Sciences
Classification: Uncertain significance for TTN-related condition. Last evaluated: 2025-05-22. Review status: criteria provided, single submitter. Criteria: ACMG Guidelines, 2015. Collection method: clinical testing. Allele origin: germline.
Comment: The TTN c.29219A>G variant is predicted to result in the amino acid substitution p.Asn9740Ser. To our knowledge, this variant has not been reported in the literature. This variant is reported in 0.0097% of alleles in individuals of Ashkenazi Jewish descent in gnomAD. At this time, the clinical significance of this variant is uncertain due to the absence of conclusive functional and genetic evidence.

Revvity Omics, Revvity
Classification: Uncertain significance. Last evaluated: 2024-12-21. Review status: criteria provided, single submitter. Criteria: ACMG Guidelines, 2015. Collection method: clinical testing. Allele origin: germline.

GeneDx
Classification: Likely benign. Last evaluated: 2020-07-16. Review status: criteria provided, single submitter. Criteria: GeneDx Variant Classification Process June 2021. Collection method: clinical testing. Allele origin: germline. Affected: yes.

CHEO Genetics Diagnostic Laboratory, Children's Hospital of Eastern Ontario
Classification: Uncertain significance for Cardiomyopathy. Last evaluated: 2017-11-29. Review status: criteria provided, single submitter. Criteria: ACMG Guidelines, 2015. Collection method: clinical testing. Allele origin: germline.

Eurofins Ntd Llc (ga)
Classification: Uncertain significance. Last evaluated: 2015-03-17. Review status: criteria provided, single submitter. Criteria: EGL Classification Definitions 2015. Collection method: clinical testing. Allele origin: germline. Observed: 1 variant allele, 1 heterozygote.

NM_001267550.2(TTN):c.29219A>G (p.Asn9740Ser)

Gene: TTN (titin; minus strand). Cytogenetic location: 2q31.2.
Variant type: single nucleotide variant.
Coding change: c.29219A>G on transcript NM_001267550.2 (MANE Select); coding-DNA position 29219, A replaced by G.
Protein change: p.Asn9740Ser; replaces asparagine 9740 with serine.
Molecular consequence: missense variant. On other transcripts: intron variant (3).
Genome position (GRCh38, 1-based): chr2:178,706,655, T>C on the plus strand (A>G on the coding strand, the complement: TTN is on the minus strand). VCF-style: chr2-178706655-T-C. GRCh37 (hg19) VCF-style: chr2-179571382-T-C.
Other names: c.28268A>G, p.Asn9423Ser (NM_001256850.1); c.25487A>G, p.Asn8496Ser (NM_133378.4); c.13282+31427A>G (NM_003319.4); c.13858+31427A>G (NM_133437.4); c.13657+31427A>G (NM_133432.3); short protein forms N9740S, N8496S, N9423S.
Identifiers: ClinVar variation 199252 (VCV000199252.14), dbSNP rs753121692, ClinGen allele CA248361.